The following is an entry in ClinVar:

NM_001161352.2(KCNMA1):c.412G>C (p.Ala138Pro)

Gene: KCNMA1 (potassium calcium-activated channel subfamily M alpha 1; minus strand). Cytogenetic location: 10q22.3.
Variant type: single nucleotide variant.
Coding change: c.412G>C on transcript NM_001161352.2 (MANE Select); coding-DNA position 412, G replaced by C.
Protein change: p.Ala138Pro; replaces alanine 138 with proline.
Molecular consequence: missense variant. On other transcripts: intron variant (1).
Genome position (GRCh38, 1-based): chr10:77,403,990, C>G on the plus strand (G>C on the coding strand, the complement: KCNMA1 is on the minus strand). VCF-style: chr10-77403990-C-G. GRCh37 (hg19) VCF-style: chr10-79163748-C-G.
Other names: c.412G>C, p.Ala138Pro (NM_001014797.3, NM_001161353.2, NM_001271519.2 and 8 more transcripts); c.379-152734G>C (NM_001271518.2); short protein forms A138P.
Identifiers: ClinVar variation 2576926 (VCV002576926.2), dbSNP rs1232345261, ClinGen allele CA377411194.

ClinVar aggregate classification (germline): Uncertain significance. Review status: criteria provided, multiple submitters, no conflicts (2 of 4 stars). 2 submissions from 2 submitters: Uncertain significance (2). Last evaluated 2025-02-19.

Conditions:
Generalized epilepsy-paroxysmal dyskinesia syndrome (PNKD3). Also called: Generalized epilepsy and paroxysmal dyskinesia; Paroxysmal nonkinesigenic dyskinesia, 3, with or without generalized epilepsy. Identifiers: Orphanet 79137, MedGen C5574945, MONDO:0012276, OMIM 609446.

gnomAD v4.1: 1 of 1,614,174 alleles (0.000062%); no homozygotes.

Submissions (2):

Labcorp Genetics (formerly Invitae), Labcorp
Classification: Uncertain significance for Generalized epilepsy-paroxysmal dyskinesia syndrome. Last evaluated: 2025-02-19. Review status: criteria provided, single submitter. Criteria: Invitae Variant Classification Sherloc (09022015). Collection method: clinical testing. Allele origin: germline.
Comment: This sequence change replaces alanine, which is neutral and non-polar, with proline, which is neutral and non-polar, at codon 138 of the KCNMA1 protein (p.Ala138Pro). This variant is not present in population databases (gnomAD no frequency). This variant has not been reported in the literature in individuals affected with KCNMA1-related conditions. ClinVar contains an entry for this variant (Variation ID: 2576926). An algorithm developed to predict the effect of missense changes on protein structure and function (PolyPhen-2) suggests that this variant is likely to be tolerated. In summary, the available evidence is currently insufficient to determine the role of this variant in disease. Therefore, it has been classified as a Variant of Uncertain Significance.

GeneDx
Classification: Uncertain significance. Last evaluated: 2023-02-16. Review status: criteria provided, single submitter. Criteria: GeneDx Variant Classification Process June 2021. Collection method: clinical testing. Allele origin: germline. Affected: yes.
Comment: Not observed at significant frequency in large population cohorts (gnomAD); In silico analysis supports that this missense variant does not alter protein structure/function; Has not been previously published as pathogenic or benign to our knowledge